The following is an entry in ClinVar:

NM_001197104.2(KMT2A):c.10604G>A (p.Gly3535Asp)

Gene: KMT2A (lysine methyltransferase 2A; plus strand). Cytogenetic location: 11q23.3.
Variant type: single nucleotide variant.
Coding change: c.10604G>A on transcript NM_001197104.2 (MANE Select); coding-DNA position 10604, G replaced by A.
Protein change: p.Gly3535Asp; replaces glycine 3535 with aspartic acid.
Molecular consequence: missense variant.
Genome position (GRCh38, 1-based): chr11:118,506,496, G>A. VCF-style: chr11-118506496-G-A. GRCh37 (hg19) VCF-style: chr11-118377211-G-A.
Other names: c.10694G>A, p.Gly3565Asp (NM_001412597.1); c.10595G>A, p.Gly3532Asp (NM_005933.4); short protein forms G3535D, G3565D, G3532D.
Identifiers: ClinVar variation 2041827 (VCV002041827.4), dbSNP rs2134414191, ClinGen allele CA382826423.
Genomic context (GRCh38, chr11:118,506,496, plus strand): 5'-CTGGGGGTTCTCCATCCTCTCCATCTTCTGGACAGCGGTCAGCAAGCCCTTCAGTGCCGG[G>A]TCCCACTAAACCCAAACCAAAAACCAAACGGTTTCAGCTGCCTCTAGACAAAGGGAATGG-3'
Protein context (NP_001184033.1, residues 3525-3545): GQRSASPSVP[Gly3535Asp]PTKPKPKTKR

ClinVar aggregate classification (germline): Uncertain significance (1 of 4 stars; one submission).

Submission:

Labcorp Genetics (formerly Invitae), Labcorp
Classification: Uncertain significance. Last evaluated: 2021-12-13. Review status: criteria provided, single submitter. Criteria: Invitae Variant Classification Sherloc (09022015). Collection method: clinical testing. Allele origin: germline.
Comment: In summary, the available evidence is currently insufficient to determine the role of this variant in disease. Therefore, it has been classified as a Variant of Uncertain Significance. Advanced modeling of protein sequence and biophysical properties (such as structural, functional, and spatial information, amino acid conservation, physicochemical variation, residue mobility, and thermodynamic stability) performed at Invitae indicates that this missense variant is not expected to disrupt KMT2A protein function. This variant has not been reported in the literature in individuals affected with KMT2A-related conditions. This variant is not present in population databases (gnomAD no frequency). This sequence change replaces glycine, which is neutral and non-polar, with aspartic acid, which is acidic and polar, at codon 3535 of the KMT2A protein (p.Gly3535Asp).